The following is an entry in ClinVar:

ClinVar aggregate classification (germline): Uncertain significance (1 of 4 stars; one submission).

Conditions:
Bardet-Biedl syndrome (BBS). Identifiers: Orphanet 110, MedGen C0752166, MONDO:0015229.

Allele frequency attached by ClinVar (database versions not stated): gnomAD exomes 0.00001; TOPMed below 0.00001.
gnomAD v4.1: 7 of 1,609,886 alleles (0.00043%); highest among the groups gnomAD compares: South Asian, 0.0033%; no homozygotes.

Submission:

Labcorp Genetics (formerly Invitae), Labcorp
Classification: Uncertain significance for Bardet-Biedl syndrome. Last evaluated: 2021-12-08. Review status: criteria provided, single submitter. Criteria: Invitae Variant Classification Sherloc (09022015). Collection method: clinical testing. Allele origin: germline.
Comment: This sequence change replaces alanine, which is neutral and non-polar, with threonine, which is neutral and polar, at codon 466 of the BBS1 protein (p.Ala466Thr). The frequency data for this variant in the population databases is considered unreliable, as metrics indicate poor data quality at this position in the gnomAD database. This variant has not been reported in the literature in individuals affected with BBS1-related conditions. Algorithms developed to predict the effect of missense changes on protein structure and function output the following: SIFT: "Deleterious"; PolyPhen-2: "Benign"; Align-GVGD: "Class C0". The threonine amino acid residue is found in multiple mammalian species, which suggests that this missense change does not adversely affect protein function. In summary, the available evidence is currently insufficient to determine the role of this variant in disease. Therefore, it has been classified as a Variant of Uncertain Significance.

NM_024649.5(BBS1):c.1396G>A (p.Ala466Thr)

Genes: BBS1 (Bardet-Biedl syndrome 1; plus strand), ZDHHC24 (zDHHC palmitoyltransferase 24; minus strand). Cytogenetic location: 11q13.2.
Variant type: single nucleotide variant.
Coding change: c.1396G>A on transcript NM_024649.5 (MANE Select); coding-DNA position 1396, G replaced by A.
Protein change: p.Ala466Thr; replaces alanine 466 with threonine.
Molecular consequence: missense variant. On other transcripts: intron variant (1).
Genome position (GRCh38, 1-based): chr11:66,529,875, G>A. VCF-style: chr11-66529875-G-A. GRCh37 (hg19) VCF-style: chr11-66297346-G-A.
Other names: c.560-387C>T (NM_001348571.2); short protein forms A466T.
Identifiers: ClinVar variation 1517252 (VCV001517252.4), dbSNP rs1271245314, ClinGen allele CA381423961.